The following is an entry in ClinVar:

ClinVar aggregate classification (germline): Pathogenic/Likely pathogenic. Review status: criteria provided, multiple submitters, no conflicts (2 of 4 stars). 2 submissions from 2 submitters: Pathogenic (1); Likely pathogenic (1). Last evaluated 2025-04-07.

Conditions:
NIPBL-related disorder. Also called: NIPBL-related condition.
Cornelia de Lange syndrome 1 (CDLS1). Also called: NIPBL-Related Cornelia de Lange Syndrome; TYPUS DEGENERATIVUS AMSTELODAMENSIS; Brachmann de Lange syndrome. Identifiers: Orphanet 199, MedGen C4551851, MONDO:0007387, OMIM 122470.

Submissions (2):

Labcorp Genetics (formerly Invitae), Labcorp
Classification: Pathogenic for Cornelia de Lange syndrome 1. Last evaluated: 2025-04-07. Review status: criteria provided, single submitter. Criteria: Invitae Variant Classification Sherloc (09022015). Collection method: clinical testing. Allele origin: germline.
Comment: This sequence change replaces valine, which is neutral and non-polar, with methionine, which is neutral and non-polar, at codon 2233 of the NIPBL protein (p.Val2233Met). This variant is not present in population databases (gnomAD no frequency). This missense change has been observed in individual(s) with clinical features of Cornelia de Lange Syndrome (PMID: 20824775, 32074972; internal data). In at least one individual the variant was observed to be de novo. ClinVar contains an entry for this variant (Variation ID: 644755). Invitae Evidence Modeling of protein sequence and biophysical properties (such as structural, functional, and spatial information, amino acid conservation, physicochemical variation, residue mobility, and thermodynamic stability) indicates that this missense variant is expected to disrupt NIPBL protein function with a positive predictive value of 80%. For these reasons, this variant has been classified as Pathogenic.

PreventionGenetics, part of Exact Sciences
Classification: Likely pathogenic for NIPBL-related condition. Last evaluated: 2022-11-08. Review status: criteria provided, single submitter. Criteria: ACMG Guidelines, 2015. Collection method: clinical testing. Allele origin: germline.
Comment: The NIPBL c.6697G>A variant is predicted to result in the amino acid substitution p.Val2233Met. This variant has been previously reported in two individuals with Cornelia de Lange syndrome, reported as a de novo finding in (Thanh et al. 2020. PubMed ID: 32074972) and of unknown origin in (Oliveira et al. 2010. PubMed ID: 20824775). This variant has not been reported in a large population database, indicating this variant is rare. This variant is interpreted as likely pathogenic.

Literature cited by the submitters: PubMed 20824775 (cited by Labcorp Genetics (formerly Invitae), Labcorp); PubMed 32074972 (cited by Labcorp Genetics (formerly Invitae), Labcorp).

NM_133433.4(NIPBL):c.6697G>A (p.Val2233Met)

Gene: NIPBL (NIPBL cohesin loading factor; plus strand). Cytogenetic location: 5p13.2.
Variant type: single nucleotide variant.
Coding change: c.6697G>A on transcript NM_133433.4 (MANE Select); coding-DNA position 6697, G replaced by A.
Protein change: p.Val2233Met; replaces valine 2233 with methionine.
Molecular consequence: missense variant.
Genome position (GRCh38, 1-based): chr5:37,048,609, G>A. VCF-style: chr5-37048609-G-A. GRCh37 (hg19) VCF-style: chr5-37048711-G-A.
Other names: c.6697G>A, p.Val2233Met (NM_015384.5); short protein forms V2233M.
Identifiers: ClinVar variation 644755 (VCV000644755.5), dbSNP rs1579570362, ClinGen allele CA359508409.